The following is an entry in ClinVar:

NM_001035.3(RYR2):c.11959G>C (p.Glu3987Gln)

Gene: RYR2 (ryanodine receptor 2; plus strand). Cytogenetic location: 1q43.
Variant type: single nucleotide variant.
Coding change: c.11959G>C on transcript NM_001035.3 (MANE Select); coding-DNA position 11959, G replaced by C.
Protein change: p.Glu3987Gln; replaces glutamic acid 3987 with glutamine.
Molecular consequence: missense variant.
Genome position (GRCh38, 1-based): chr1:237,781,643, G>C. VCF-style: chr1-237781643-G-C. GRCh37 (hg19) VCF-style: chr1-237944943-G-C.
Other names: short protein forms E3987Q.
Identifiers: ClinVar variation 1474443 (VCV001474443.9), dbSNP rs794728778, ClinGen allele CA345410299.
Genomic context (GRCh38, chr1:237,781,643, plus strand): 5'-CTATTAAAAGAATTAATGGATCTGCAGAAGGATATGGTGGTCATGTTGCTGTCCATGTTA[G>C]AAGGTAGTTTTGATTTATACTTTTAAATTCTCTTTATTATCTTATTTAAAGGATCAGCAT-3'
Protein context (NP_001026.2, residues 3977-3997): DMVVMLLSML[Glu3987Gln]GNVVNGTIGK

ClinVar aggregate classification (germline): Pathogenic (1 of 4 stars; one submission).

Conditions:
Catecholaminergic polymorphic ventricular tachycardia 1. Also called: VENTRICULAR TACHYCARDIA, CATECHOLAMINERGIC POLYMORPHIC, 1, WITH OR WITHOUT ATRIAL DYSFUNCTION AND/OR DILATED CARDIOMYOPATHY; RYR2-Related Catecholaminergic Polymorphic Ventricular Tachycardia; VENTRICULAR TACHYCARDIA, STRESS-INDUCED POLYMORPHIC 1. Identifiers: Orphanet 3286, MedGen C1631597, MONDO:0011484, OMIM 604772.

Submission:

Labcorp Genetics (formerly Invitae), Labcorp
Classification: Pathogenic for Catecholaminergic polymorphic ventricular tachycardia 1. Last evaluated: 2022-09-19. Review status: criteria provided, single submitter. Criteria: Invitae Variant Classification Sherloc (09022015). Collection method: clinical testing. Allele origin: germline.
Comment: For these reasons, this variant has been classified as Pathogenic. Advanced modeling of protein sequence and biophysical properties (such as structural, functional, and spatial information, amino acid conservation, physicochemical variation, residue mobility, and thermodynamic stability) performed at Invitae indicates that this missense variant is expected to disrupt RYR2 protein function. ClinVar contains an entry for this variant (Variation ID: 1474443). This missense change has been observed in individual(s) with clinical features of catecholaminergic polymorphic ventricular tachycardia (Invitae). In at least one individual the variant was observed to be de novo. This variant is not present in population databases (gnomAD no frequency). This sequence change replaces glutamic acid, which is acidic and polar, with glutamine, which is neutral and polar, at codon 3987 of the RYR2 protein (p.Glu3987Gln).